The following is an entry in ClinVar:

NM_020778.5(ALPK3):c.2929G>A (p.Gly977Arg)

Gene: ALPK3 (alpha kinase 3; plus strand). Cytogenetic location: 15q25.3.
Variant type: single nucleotide variant.
Coding change: c.2929G>A on transcript NM_020778.5 (MANE Select); coding-DNA position 2929, G replaced by A.
Protein change: p.Gly977Arg; replaces glycine 977 with arginine.
Molecular consequence: missense variant.
Genome position (GRCh38, 1-based): chr15:84,857,667, G>A. VCF-style: chr15-84857667-G-A. GRCh37 (hg19) VCF-style: chr15-85400898-G-A.
Other names: short protein forms G977R.
Identifiers: ClinVar variation 2449117 (VCV002449117.5), dbSNP rs1567093841, ClinGen allele CA393359267.

ClinVar aggregate classification (germline): Uncertain significance. Review status: criteria provided, multiple submitters, no conflicts (2 of 4 stars). 2 submissions from 2 submitters: Uncertain significance (2). Last evaluated 2023-02-23.

Conditions:
Cardiovascular phenotype. Identifiers: MedGen CN230736.

Allele frequency attached by ClinVar (database versions not stated): gnomAD exomes below 0.00001.
gnomAD v4.1: 2 of 1,605,398 alleles (0.00012%); highest among the groups gnomAD compares: Non-Finnish European, 0.00017%; no homozygotes.

Submissions (2):

Ambry Genetics
Classification: Uncertain significance for Cardiovascular phenotype. Last evaluated: 2023-02-23. Review status: criteria provided, single submitter. Criteria: Ambry Variant Classification Scheme 2023. Collection method: clinical testing. Allele origin: germline.
Comment: The p.G1179R variant (also known as c.3535G>A), located in coding exon 6 of the ALPK3 gene, results from a G to A substitution at nucleotide position 3535. The glycine at codon 1179 is replaced by arginine, an amino acid with dissimilar properties. This amino acid position is conserved. In addition, this alteration is predicted to be tolerated by in silico analysis. Since supporting evidence is limited at this time, the clinical significance of this alteration remains unclear.

Labcorp Genetics (formerly Invitae), Labcorp
Classification: Uncertain significance. Last evaluated: 2023-01-05. Review status: criteria provided, single submitter. Criteria: Invitae Variant Classification Sherloc (09022015). Collection method: clinical testing. Allele origin: germline.
Comment: This sequence change replaces glycine, which is neutral and non-polar, with arginine, which is basic and polar, at codon 1179 of the ALPK3 protein (p.Gly1179Arg). In summary, the available evidence is currently insufficient to determine the role of this variant in disease. Therefore, it has been classified as a Variant of Uncertain Significance. Advanced modeling of protein sequence and biophysical properties (such as structural, functional, and spatial information, amino acid conservation, physicochemical variation, residue mobility, and thermodynamic stability) performed at Invitae indicates that this missense variant is not expected to disrupt ALPK3 protein function. This variant has not been reported in the literature in individuals affected with ALPK3-related conditions. This variant is not present in population databases (gnomAD no frequency).